The following is an entry in ClinVar:

NM_003400.4(XPO1):c.124C>T (p.Gln42Ter)

Gene: XPO1 (exportin 1; minus strand). Cytogenetic location: 2p15.
Variant type: single nucleotide variant.
Coding change: c.124C>T on transcript NM_003400.4 (MANE Select); coding-DNA position 124, C replaced by T.
Protein change: p.Gln42Ter; replaces glutamine 42 with a stop codon.
Molecular consequence: nonsense.
Genome position (GRCh38, 1-based): chr2:61,533,774, G>A on the plus strand (C>T on the coding strand, the complement: XPO1 is on the minus strand). VCF-style: chr2-61533774-G-A. GRCh37 (hg19) VCF-style: chr2-61760909-G-A.
Other names: c.124C>T, p.Gln42Ter (NM_001410799.1); short protein forms Q42*.
Identifiers: ClinVar variation 4881942 (VCV004881942.2).
Genomic context (GRCh38, chr2:61,533,774, plus strand): 5'-AACCCAACAACTCTGTTACACTGTCATAATGTTATAAAGTTTTGGTTGGCTACTTTACCT[G>A]GGCTCCTTCTCCATGGTATAAGCAATTCACCACATTATCTAATAAGTTGATATCCAGTTT-3'

ClinVar aggregate classification (germline): Uncertain significance (1 of 4 stars; one submission).

Submission:

Dasa
Classification: Uncertain significance. Last evaluated: 2024-12-01. Review status: criteria provided, single submitter. Criteria: DASA Assertion Criteria. Collection method: clinical testing. Allele origin: germline.
Comment: NM_003400.4(XPO1):c.124C>T (p.Gln42*) is a nonsense variant in XPO1 predicted to introduce a premature termination codon. This variant is absent from population databases. The currently available literature and clinical evidence are not sufficient to establish a definitive association between this variant and the reported condition. Therefore, this variant is classified as a variant of uncertain significance.